The following is an entry in ClinVar:

NM_000064.4(C3):c.2770G>A (p.Gly924Ser)

Gene: C3 (complement C3; minus strand). Cytogenetic location: 19p13.3.
Variant type: single nucleotide variant.
Coding change: c.2770G>A on transcript NM_000064.4 (MANE Select); coding-DNA position 2770, G replaced by A.
Protein change: p.Gly924Ser; replaces glycine 924 with serine.
Molecular consequence: missense variant.
Genome position (GRCh38, 1-based): chr19:6,697,370, C>T on the plus strand (G>A on the coding strand, the complement: C3 is on the minus strand). VCF-style: chr19-6697370-C-T. GRCh37 (hg19) VCF-style: chr19-6697381-C-T.
Other names: short protein forms G924S.
Identifiers: ClinVar variation 4280173 (VCV004280173.1).

ClinVar aggregate classification (germline): Uncertain significance (1 of 4 stars; one submission).

Conditions:
C3 glomerulonephritis. Also called: C3 GLOMERULOPATHY 3; Nephropathy due to CFHR5 Deficiency. Identifiers: Orphanet 329931, MedGen C4055342, MONDO:0013892, OMIM 614809.

gnomAD v4.1: 1 of 1,614,044 alleles (0.000062%); highest among the groups gnomAD compares: Non-Finnish European, 0.000085%; no homozygotes.

Submission:

Genomenon, Inc
Classification: Uncertain significance for C3 glomerulonephritis. Last evaluated: 2025-09-30. Review status: criteria provided, single submitter. Criteria: Genomenon Sequence Variant Interpretation Standards. Collection method: curation. Allele origin: germline. Affected: yes.
Comment: C3 p.Gly924Ser (c.2770G>A) is a missense variant that changes the amino acid at residue 924 from Glycine to Serine. This variant has been observed in at least one proband affected with C3 glomerulonephritis (PMID:30077216). It is absent or not present at a significant frequency in gnomAD. In conclusion, we classify C3 p.Gly924Ser (c.2770G>A) as a variant of unknown significance.

Literature cited by the submitters: PubMed 30077216.